The following is an entry in ClinVar:

ClinVar aggregate classification (germline): Uncertain significance (1 of 4 stars; one submission).

gnomAD v4.1: 7 of 1,610,908 alleles (0.00043%); highest among the groups gnomAD compares: Non-Finnish European, 0.00059%; no homozygotes.

Submission:

GeneDx
Classification: Uncertain significance. Last evaluated: 2024-09-30. Review status: criteria provided, single submitter. Criteria: GeneDx Variant Classification Process June 2021. Collection method: clinical testing. Allele origin: germline. Affected: yes.
Comment: Not observed at significant frequency in large population cohorts (gnomAD); In silico analysis indicates that this missense variant does not alter protein structure/function; Has not been previously published as pathogenic or benign to our knowledge

NM_017649.5(CNNM2):c.623C>A (p.Thr208Lys)

Gene: CNNM2 (cyclin and CBS domain divalent metal cation transport mediator 2; plus strand). Cytogenetic location: 10q24.32.
Variant type: single nucleotide variant.
Coding change: c.623C>A on transcript NM_017649.5 (MANE Select); coding-DNA position 623, C replaced by A.
Protein change: p.Thr208Lys; replaces threonine 208 with lysine.
Molecular consequence: missense variant.
Genome position (GRCh38, 1-based): chr10:102,919,103, C>A. VCF-style: chr10-102919103-C-A. GRCh37 (hg19) VCF-style: chr10-104678860-C-A.
Other names: c.623C>A, p.Thr208Lys (NM_199076.3, NM_199077.3); short protein forms T208K.
Identifiers: ClinVar variation 3774836 (VCV003774836.1).